The following is an entry in ClinVar:

NM_001377229.1(DISP1):c.4349T>G (p.Val1450Gly)

Gene: DISP1 (dispatched RND transporter family member 1; plus strand). Cytogenetic location: 1q41.
Variant type: single nucleotide variant.
Coding change: c.4349T>G on transcript NM_001377229.1 (MANE Select); coding-DNA position 4349, T replaced by G.
Protein change: p.Val1450Gly; replaces valine 1450 with glycine.
Molecular consequence: missense variant.
Genome position (GRCh38, 1-based): chr1:223,005,746, T>G. VCF-style: chr1-223005746-T-G. GRCh37 (hg19) VCF-style: chr1-223179088-T-G.
Other names: c.3620T>G, p.Val1207Gly (NM_001350630.2); c.4349T>G, p.Val1450Gly (NM_001369594.1, NM_001377228.1, NM_032890.5); short protein forms V1207G, V1450G.
Identifiers: ClinVar variation 2722106 (VCV002722106.3), dbSNP rs1290329622, ClinGen allele CA344694449.
Genomic context (GRCh38, chr1:223,005,746, plus strand): 5'-GGACTGAAAACAAGGCAGGAGGGAAAGTGGAGCTGAGCTTGTCACAGACGGATGCAAGTG[T>G]GAACTCAGAACATTTCAATCAGAATGAACCAAAAGTCCTATTTAATCATTTAATGGGGGA-3'
Protein context (NP_001364158.1, residues 1440-1460): ELSLSQTDAS[Val1450Gly]NSEHFNQNEP

ClinVar aggregate classification (germline): Uncertain significance (1 of 4 stars; one submission).

Allele frequency attached by ClinVar (database versions not stated): gnomAD exomes below 0.00001; gnomAD 0.00001; TOPMed 0.00001.
gnomAD v4.1: 3 of 1,613,840 alleles (0.00019%); highest among the groups gnomAD compares: Non-Finnish European, 0.00025%; no homozygotes.

Submission:

Labcorp Genetics (formerly Invitae), Labcorp
Classification: Uncertain significance. Last evaluated: 2023-11-27. Review status: criteria provided, single submitter. Criteria: Invitae Variant Classification Sherloc (09022015). Collection method: clinical testing. Allele origin: germline.
Comment: This sequence change replaces valine, which is neutral and non-polar, with glycine, which is neutral and non-polar, at codon 1450 of the DISP1 protein (p.Val1450Gly). This variant is not present in population databases (gnomAD no frequency). This variant has not been reported in the literature in individuals affected with DISP1-related conditions. Algorithms developed to predict the effect of missense changes on protein structure and function output the following: SIFT: "Not Available"; PolyPhen-2: "Benign"; Align-GVGD: "Not Available". The glycine amino acid residue is found in multiple mammalian species, which suggests that this missense change does not adversely affect protein function. In summary, the available evidence is currently insufficient to determine the role of this variant in disease. Therefore, it has been classified as a Variant of Uncertain Significance.